The following is an entry in ClinVar:

ClinVar aggregate classification (germline): Uncertain significance (1 of 4 stars; one submission).

Submission:

Greenwood Genetic Center Diagnostic Laboratories, Greenwood Genetic Center
Classification: Uncertain significance. Last evaluated: 2025-12-02. Review status: criteria provided, single submitter. Criteria: ACMG Guidelines, 2015. Collection method: clinical testing. Allele origin: germline. Affected: yes.
Comment: Gene of Uncertain Significance

NM_001190417.2(ZNF674):c.357A>C (p.Lys119Asn)

Gene: ZNF674 (zinc finger protein 674; minus strand). Cytogenetic location: Xp11.3.
Variant type: single nucleotide variant.
Coding change: c.357A>C on transcript NM_001190417.2 (MANE Select); coding-DNA position 357, A replaced by C.
Protein change: p.Lys119Asn; replaces lysine 119 with asparagine.
Molecular consequence: missense variant.
Genome position (GRCh38, 1-based): chrX:46,501,217, T>G on the plus strand (A>C on the coding strand, the complement: ZNF674 is on the minus strand). VCF-style: chrX-46501217-T-G. GRCh37 (hg19) VCF-style: chrX-46360652-T-G.
Other names: c.372A>C, p.Lys124Asn (NM_001039891.3); c.354A>C, p.Lys118Asn (NM_001146291.2); short protein forms K118N, K119N, K124N.
Identifiers: ClinVar variation 4845497 (VCV004845497.1).